The following is an entry in ClinVar:

NM_002230.4(JUP):c.-3_6delinsCCA (p.Met1_Glu2del)

Gene: JUP (junction plakoglobin; minus strand). Cytogenetic location: 17q21.2.
Variant type: Indel.
Coding change: c.-3_6delinsCCA on transcript NM_002230.4 (MANE Select); 3 bases upstream of the start codon through coding-DNA position 6, ACGATGGAG replaced by CCA.
Protein change: p.Met1_Glu2del.
Molecular consequence: inframe deletion, initiator codon variant.
Genome position (GRCh38, 1-based): chr17:41,771,849-41,771,857, CTCCATCGT replaced by TGG on the plus strand (ACGATGGAG replaced by CCA on the coding strand, the reverse complement: JUP is on the minus strand). VCF-style: chr17-41771849-CTCCATCGT-TGG. GRCh37 (hg19) VCF-style: chr17-39928101-CTCCATCGT-TGG.
Other names: c.-3_6delinsCCA, p.Met1_Glu2del (NM_001352773.2, NM_001352774.2, NM_001352775.2 and 3 more transcripts); c.-3_6delinsCCA (NM_002230.3).
Identifiers: ClinVar variation 1798686 (VCV001798686.6), dbSNP rs2544217919, ClinGen allele CA2580093946.
Genomic context (GRCh38, chr17:41,771,849, plus strand): 5'-GTAGGTGTATGTCTGCTGCCACTCAGTCACCTTGATAGGCTGCTCCATCAGGTTCATCAC[CTCCATCGT>TGG]GGCTACTGGGGGCACAAAGGAGGAAGTCAGGAAGCAGGAAGTCACCTGGCCCAGCCCCCA-3'

ClinVar aggregate classification (germline): Uncertain significance. Review status: criteria provided, multiple submitters, no conflicts (2 of 4 stars). 3 submissions from 3 submitters: Uncertain significance (3). Last evaluated 2026-09-21.

Conditions:
Cardiovascular phenotype. Identifiers: MedGen CN230736.

Submissions (3):

Molecular Diagnostic Laboratory for Inherited Cardiovascular Disease, Montreal Heart Institute
Classification: Uncertain significance for Cardiovascular phenotype. Last evaluated: 2026-09-21. Review status: criteria provided, single submitter. Criteria: ACMG Guidelines, 2015. Collection method: clinical testing. Allele origin: germline. Affected: yes.
Comment: PVS1_supp, PM2

Ambry Genetics
Classification: Uncertain significance for Cardiovascular phenotype. Last evaluated: 2025-09-09. Review status: criteria provided, single submitter. Criteria: Ambry Variant Classification Scheme 2023. Collection method: clinical testing. Allele origin: germline.
Comment: The c.-3_6delACGATGGAGinsCCA variant (also known as p.M1?), located in coding exon 1 of the JUP gene, results from an in-frame deletion of ACGATGGAG and insertion of CCA at nucleotide positions -3 to 6. This alters the methionine residue at the initiation codon (ATG). Variations that modify the initiation codon (ATG) are expected to result in either loss of translation initiation, N-terminal truncation, or cause a shift in the mRNA reading frame; however, there is an in-frame methionine 4 amino acids from the initiation site, which may result in N-terminal truncation of unknown functional significance. Based on the available evidence, the clinical significance of this variant remains unclear.

GeneDx
Classification: Uncertain significance. Last evaluated: 2023-07-19. Review status: criteria provided, single submitter. Criteria: GeneDx Variant Classification Process June 2021. Collection method: clinical testing. Allele origin: germline. Affected: yes.
Comment: Not observed at significant frequency in large population cohorts (gnomAD); Deleted interval contains the initiation (methionine) codon, which may result in a null allele if protein translation is prevented, or an abnormal protein product if an alternate methionine is utilized for translation; in the absence of functional studies, the actual effect of this sequence change is unknown; Has not been previously published as pathogenic or benign to our knowledge